The following is an entry in ClinVar:

ClinVar aggregate classification (germline): Uncertain significance (1 of 4 stars; one submission).

Allele frequency attached by ClinVar (database versions not stated): gnomAD exomes 0.00002; ExAC 0.00004.
gnomAD v4.1: 9 of 1,612,984 alleles (0.00056%); highest among the groups gnomAD compares: South Asian, 0.0099%; no homozygotes.

Submission:

GeneDx
Classification: Uncertain significance. Last evaluated: 2020-10-27. Review status: criteria provided, single submitter. Criteria: GeneDx Variant Classification Process June 2021. Collection method: clinical testing. Allele origin: germline. Affected: yes.
Comment: In silico analysis supports that this missense variant does not alter protein structure/function; Has not been previously published as pathogenic or benign to our knowledge

NM_178335.3(CCDC50):c.1438T>G (p.Tyr480Asp)

Gene: CCDC50 (coiled-coil domain containing 50; plus strand). Cytogenetic location: 3q28.
Variant type: single nucleotide variant.
Coding change: c.1438T>G on transcript NM_178335.3 (MANE Select); coding-DNA position 1438, T replaced by G.
Protein change: p.Tyr480Asp; replaces tyrosine 480 with aspartic acid.
Molecular consequence: missense variant.
Genome position (GRCh38, 1-based): chr3:191,391,749, T>G. VCF-style: chr3-191391749-T-G. GRCh37 (hg19) VCF-style: chr3-191109538-T-G.
Other names: c.910T>G, p.Tyr304Asp (NM_174908.4); short protein forms Y304D, Y480D.
Identifiers: ClinVar variation 1313434 (VCV001313434.2), dbSNP rs764246603, ClinGen allele CA2755589.